The following is an entry in ClinVar:

ClinVar aggregate classification (germline): Uncertain significance. Review status: criteria provided, multiple submitters, no conflicts (2 of 4 stars). 3 submissions from 3 submitters: Uncertain significance (3). Last evaluated 2026-02-08.

Conditions:
Primary ciliary dyskinesia 15. Also called: CILIARY DYSKINESIA, PRIMARY, 15, WITH OR WITHOUT SITUS INVERSUS. Identifiers: Orphanet 244, MedGen C3151137, MONDO:0013435, OMIM 613808.
Primary ciliary dyskinesia. Also called: Ciliary dyskinesia. Identifiers: Orphanet 244, MedGen C0008780, MONDO:0016575, HP:0012265.

Allele frequency attached by ClinVar (database versions not stated): TOPMed 0.00001.
gnomAD v4.1: 11 of 1,613,766 alleles (0.00068%); highest among the groups gnomAD compares: African/African-American, 0.0013%; no homozygotes.

Submissions (3):

GeneDx
Classification: Uncertain significance. Last evaluated: 2026-02-08. Review status: criteria provided, single submitter. Criteria: GeneDx Variant Classification Process June 2021. Collection method: clinical testing. Allele origin: germline.
Comment: Not observed at significant frequency in large population cohorts (gnomAD); In silico analysis supports that this missense variant has a deleterious effect on protein structure/function; Has not been previously published as pathogenic or benign to our knowledge

Labcorp Genetics (formerly Invitae), Labcorp
Classification: Uncertain significance for Primary ciliary dyskinesia. Last evaluated: 2022-03-10. Review status: criteria provided, single submitter. Criteria: Invitae Variant Classification Sherloc (09022015). Collection method: clinical testing. Allele origin: germline.
Comment: In summary, the available evidence is currently insufficient to determine the role of this variant in disease. Therefore, it has been classified as a Variant of Uncertain Significance. Algorithms developed to predict the effect of missense changes on protein structure and function (SIFT, PolyPhen-2, Align-GVGD) all suggest that this variant is likely to be tolerated. ClinVar contains an entry for this variant (Variation ID: 325749). This variant has not been reported in the literature in individuals affected with CCDC40-related conditions. This variant is present in population databases (no rsID available, gnomAD 0.0009%). This sequence change replaces arginine, which is basic and polar, with leucine, which is neutral and non-polar, at codon 1113 of the CCDC40 protein (p.Arg1113Leu).

Illumina Laboratory Services, Illumina
Classification: Uncertain significance for Primary ciliary dyskinesia 15. Last evaluated: 2018-01-12. Review status: criteria provided, single submitter. Criteria: ICSL Variant Classification Criteria 13 December 2019. Collection method: clinical testing. Allele origin: germline.

NM_017950.4(CCDC40):c.3338G>T (p.Arg1113Leu)

Gene: CCDC40 (coiled-coil domain 40 molecular ruler complex subunit; plus strand). Cytogenetic location: 17q25.3.
Variant type: single nucleotide variant.
Coding change: c.3338G>T on transcript NM_017950.4 (MANE Select); coding-DNA position 3338, G replaced by T.
Protein change: p.Arg1113Leu; replaces arginine 1113 with leucine.
Molecular consequence: missense variant.
Genome position (GRCh38, 1-based): chr17:80,099,684, G>T. VCF-style: chr17-80099684-G-T. GRCh37 (hg19) VCF-style: chr17-78073483-G-T.
Other names: short protein forms R1113L.
Identifiers: ClinVar variation 325749 (VCV000325749.9), dbSNP rs368814379, ClinGen allele CA10640842.